The following is an entry in ClinVar:

NM_000179.3(MSH6):c.1434T>C (p.Tyr478=)

Gene: MSH6 (mutS homolog 6; plus strand). Cytogenetic location: 2p16.3.
Variant type: single nucleotide variant.
Coding change: c.1434T>C on transcript NM_000179.3 (MANE Select); coding-DNA position 1434, T replaced by C.
Protein change: p.Tyr478=; no amino-acid change (tyrosine 478 retained).
Molecular consequence: synonymous variant.
Genome position (GRCh38, 1-based): chr2:47,799,417, T>C. VCF-style: chr2-47799417-T-C. GRCh37 (hg19) VCF-style: chr2-48026556-T-C.
Other names: c.1044T>C, p.Tyr348= (NM_001281492.2); c.528T>C, p.Tyr176= (NM_001281493.2, NM_001281494.2).
Identifiers: ClinVar variation 382133 (VCV000382133.20), dbSNP rs1057521265, ClinGen allele CA16604304.

ClinVar aggregate classification (germline): Benign/Likely benign. Review status: criteria provided, multiple submitters, no conflicts (2 of 4 stars). 6 submissions from 6 submitters: Benign (1); Likely benign (5). Last evaluated 2025-12-08.

Conditions:
Hereditary nonpolyposis colorectal neoplasms. Identifiers: MedGen C0009405, MeSH D003123.
Hereditary cancer-predisposing syndrome. Also called: Tumor predisposition; Hereditary neoplastic syndrome; Neoplastic Syndromes, Hereditary; Hereditary Cancer Syndrome. Identifiers: Orphanet 140162, MedGen C0027672, MeSH D009386, MONDO:0015356.
Lynch syndrome. Identifiers: Orphanet 144, MedGen C4552100, MONDO:0005835. Disease mechanism: loss of function.
Lynch syndrome 5 (LYNCH5). Also called: Colorectal cancer, hereditary nonpolyposis, type 5; Hereditary non-polyposis colorectal cancer, type 5. Identifiers: Orphanet 144, MedGen C1833477, MONDO:0013710, OMIM 614350. Disease mechanism: loss of function.

Allele frequency attached by ClinVar (database versions not stated): gnomAD exomes below 0.00001; gnomAD 0.00001.
gnomAD v4.1: 3 of 1,613,978 alleles (0.00019%); highest among the groups gnomAD compares: Non-Finnish European, 0.00025%; no homozygotes.

Submissions (6):

Labcorp Genetics (formerly Invitae), Labcorp
Classification: Likely benign for Hereditary nonpolyposis colorectal neoplasms. Last evaluated: 2025-12-08. Review status: criteria provided, single submitter. Criteria: Invitae Variant Classification Sherloc (09022015). Collection method: clinical testing. Allele origin: germline.

Myriad Genetics, Inc.
Classification: Benign for Lynch syndrome 5. Last evaluated: 2024-12-26. Review status: criteria provided, single submitter. Criteria: Myriad Autosomal Dominant, Autosomal Recessive and X-Linked Classification Criteria (2023). Collection method: clinical testing. Allele origin: unknown.
Comment: This variant is considered benign. This variant is a silent/synonymous amino acid change and it is not expected to impact splicing.

All of Us Research Program, National Institutes of Health
Classification: Likely benign for Lynch syndrome. Last evaluated: 2023-12-13. Review status: criteria provided, single submitter. Criteria: ACMG Guidelines, 2015. Collection method: clinical testing. Allele origin: germline. Inheritance: Autosomal dominant inheritance. Observed: 4 variant alleles, 4 heterozygotes.
Comment: This study involves interpretation of variants in research participants for the purpose of population health screening. Participant phenotype was not available at the time of variant classification. Additional details can be found in publication PMID: 35346344, PMCID: PMC8962531

Ambry Genetics
Classification: Likely benign for Hereditary cancer-predisposing syndrome. Last evaluated: 2021-11-24. Review status: criteria provided, single submitter. Criteria: Ambry Variant Classification Scheme 2023. Collection method: clinical testing. Allele origin: germline.

Color Diagnostics, LLC DBA Color Health
Classification: Likely benign for Hereditary cancer-predisposing syndrome. Last evaluated: 2018-06-04. Review status: criteria provided, single submitter. Criteria: ACMG Guidelines, 2015. Collection method: clinical testing. Allele origin: germline.

GeneDx
Classification: Likely benign. Last evaluated: 2018-02-22. Review status: criteria provided, single submitter. Criteria: GeneDx Variant Classification (06012015). Collection method: clinical testing. Allele origin: germline. Affected: yes.
Comment: This variant is considered likely benign or benign based on one or more of the following criteria: it is a conservative change, it occurs at a poorly conserved position in the protein, it is predicted to be benign by multiple in silico algorithms, and/or has population frequency not consistent with disease.